The following is an entry in ClinVar:

NM_001378189.1(CFAP57):c.1180G>A (p.Gly394Ser)

Genes: CFAP57 (cilia and flagella associated protein 57; plus strand), EBNA1BP2 (EBNA1 binding protein 2; minus strand), LOC105378685 (uncharacterized LOC105378685; minus strand). Cytogenetic location: 1p34.2.
Variant type: single nucleotide variant.
Coding change: c.1180G>A on transcript NM_001378189.1 (MANE Select); coding-DNA position 1180, G replaced by A.
Protein change: p.Gly394Ser; replaces glycine 394 with serine.
Molecular consequence: missense variant.
Genome position (GRCh38, 1-based): chr1:43,197,610, G>A. VCF-style: chr1-43197610-G-A. GRCh37 (hg19) VCF-style: chr1-43663281-G-A.
Other names: c.1180G>A, p.Gly394Ser (NM_001167965.1, NM_001195831.3, NM_152498.3); short protein forms G394S.
Identifiers: ClinVar variation 3028972 (VCV003028972.2), dbSNP rs371546643, ClinGen allele CA804586.

ClinVar aggregate classification (germline): Uncertain significance (0 of 4 stars; one submission).

Conditions:
CFAP57-related disorder. Also called: CFAP57-related condition.

Allele frequency attached by ClinVar (database versions not stated): ESP Exome Variant Server 0.00008; ExAC 0.00001.
gnomAD v4.1: 4 of 1,613,904 alleles (0.00025%); highest among the groups gnomAD compares: African/African-American, 0.0013%; no homozygotes.

Submission:

PreventionGenetics, part of Exact Sciences
Classification: Uncertain significance for CFAP57-related condition. Last evaluated: 2023-10-24. Review status: no assertion criteria provided. Collection method: clinical testing. Allele origin: germline.
Comment: The CFAP57 c.1180G>A variant is predicted to result in the amino acid substitution p.Gly394Ser. To our knowledge, this variant has not been reported in the literature. This variant is reported in 0.011% of alleles in individuals of African descent in gnomAD. At this time, the clinical significance of this variant is uncertain due to the absence of conclusive functional and genetic evidence.